The following is an entry in ClinVar:

NM_002234.4(KCNA5):c.67C>T (p.Arg23Trp)

Gene: KCNA5 (potassium voltage-gated channel subfamily A member 5; plus strand). Cytogenetic location: 12p13.32.
Variant type: single nucleotide variant.
Coding change: c.67C>T on transcript NM_002234.4 (MANE Select); coding-DNA position 67, C replaced by T.
Protein change: p.Arg23Trp; replaces arginine 23 with tryptophan.
Molecular consequence: missense variant.
Genome position (GRCh38, 1-based): chr12:5,044,214, C>T. VCF-style: chr12-5044214-C-T. GRCh37 (hg19) VCF-style: chr12-5153380-C-T.
Other names: short protein forms R23W.
Identifiers: ClinVar variation 1913177 (VCV001913177.5), dbSNP rs771419005, ClinGen allele CA6399532.

ClinVar aggregate classification (germline): Uncertain significance (1 of 4 stars; one submission).

Conditions:
Atrial fibrillation, familial, 7 (ATFB7). Identifiers: MedGen C2677106, MONDO:0012828, OMIM 612240.

gnomAD v4.1: 5 of 1,537,858 alleles (0.00033%); highest among the groups gnomAD compares: African/African-American, 0.0027%; no homozygotes.

Submission:

Labcorp Genetics (formerly Invitae), Labcorp
Classification: Uncertain significance for Atrial fibrillation, familial, 7. Last evaluated: 2022-08-03. Review status: criteria provided, single submitter. Criteria: Invitae Variant Classification Sherloc (09022015). Collection method: clinical testing. Allele origin: germline.
Comment: In summary, the available evidence is currently insufficient to determine the role of this variant in disease. Therefore, it has been classified as a Variant of Uncertain Significance. Algorithms developed to predict the effect of missense changes on protein structure and function are either unavailable or do not agree on the potential impact of this missense change (SIFT: "Deleterious"; PolyPhen-2: "Benign"; Align-GVGD: "Class C0"). This variant has not been reported in the literature in individuals affected with KCNA5-related conditions. The frequency data for this variant in the population databases is considered unreliable, as metrics indicate poor data quality at this position in the gnomAD database. This sequence change replaces arginine, which is basic and polar, with tryptophan, which is neutral and slightly polar, at codon 23 of the KCNA5 protein (p.Arg23Trp).